The following is an entry in ClinVar:

ClinVar aggregate classification (germline): Uncertain significance (1 of 4 stars; one submission).

Conditions:
Familial thoracic aortic aneurysm and aortic dissection (TAAD). Also called: Thoracic aortic aneurysms and dissections. Identifiers: Orphanet 91387, MedGen C4707243, MONDO:0019625.

Submission:

Color Diagnostics, LLC DBA Color Health
Classification: Uncertain significance for Familial thoracic aortic aneurysm and aortic dissection. Last evaluated: 2019-09-30. Review status: criteria provided, single submitter. Criteria: ACMG Guidelines, 2015. Collection method: clinical testing. Allele origin: germline.
Comment: This variant causes a deletion of 11 nucleotides from the intron 4 splice donor region of the TGFBR1 gene. To our knowledge, functional studies have not been performed for this variant. This variant has not been reported in individuals affected with cardiovascular disorders in the literature. This variant has not been identified in the general population by the Genome Aggregation Database (gnomAD). The available evidence is insufficient to determine the role of this variant in disease conclusively. Therefore, this variant is classified as a Variant of Uncertain Significance.

NM_004612.4(TGFBR1):c.805+7_805+17del

Gene: TGFBR1 (transforming growth factor beta receptor 1; plus strand). Cytogenetic location: 9q22.33.
Variant type: Deletion.
Coding change: c.805+7_805+17del on transcript NM_004612.4 (MANE Select); bases 7 to 17 of the intron after coding-DNA position 805, 11 bases deleted (AACATTTGCTT).
Molecular consequence: intron variant.
Genome position (GRCh38, 1-based): chr9:99,138,096-99,138,106, AACATTTGCTT deleted; deleting any 11 consecutive bases within chr9:99,138,095-99,138,106 gives the same sequence; the c. name uses the placement nearest the transcript's 3' end. VCF-style (leftmost placement, unchanged base first): chr9-99138094-GTAACATTTGCT-G. GRCh37 (hg19) VCF-style: chr9-101900376-GTAACATTTGCT-G.
Other names: c.805+6_805+16del (NM_004612.4); c.817+7_817+17del (NM_001306210.2); c.574+7_574+17del (NM_001130916.3).
Identifiers: ClinVar variation 920636 (VCV000920636.3), dbSNP rs1827498513, ClinGen allele CA1139661070.